The following is an entry in ClinVar:

ClinVar aggregate classification (germline): Pathogenic/Likely pathogenic. Review status: criteria provided, multiple submitters, no conflicts (2 of 4 stars). 3 submissions from 3 submitters: Pathogenic (2); Likely pathogenic (1). Last evaluated 2024-10-07.

Conditions:
Hereditary spastic paraplegia 39 (SPG39). Also called: Spastic Paraplegia Type 39 (SPG39); SPASTIC PARAPLEGIA 39, AUTOSOMAL RECESSIVE. Identifiers: Orphanet 139480, MedGen C2677586, MONDO:0012787, OMIM 612020.
PNPLA6-related disorder. Also called: PNPLA6-related disorders; PNPLA6-related condition.

Submissions (3):

GeneDx
Classification: Pathogenic. Last evaluated: 2024-10-07. Review status: criteria provided, single submitter. Criteria: GeneDx Variant Classification Process June 2021. Collection method: clinical testing. Allele origin: germline. Affected: yes.
Comment: Has been reported in the heterozygous state in a patient with retinal dystrophy who also harbored two variants in the MFSD8 gene (PMID: 35801630); Frameshift variant predicted to result in protein truncation or nonsense mediated decay in a gene for which loss of function is a known mechanism of disease; Not observed at significant frequency in large population cohorts (gnomAD); This variant is associated with the following publications: (PMID: 35801630)

Labcorp Genetics (formerly Invitae), Labcorp
Classification: Pathogenic for Hereditary spastic paraplegia 39. Last evaluated: 2022-08-16. Review status: criteria provided, single submitter. Criteria: Invitae Variant Classification Sherloc (09022015). Collection method: clinical testing. Allele origin: germline.
Comment: For these reasons, this variant has been classified as Pathogenic. This sequence change creates a premature translational stop signal (p.Leu1083Tyrfs*54) in the PNPLA6 gene. It is expected to result in an absent or disrupted protein product. Loss-of-function variants in PNPLA6 are known to be pathogenic (PMID: 24355708). This variant is present in population databases (rs766796997, gnomAD 0.0009%). This variant has not been reported in the literature in individuals affected with PNPLA6-related conditions. ClinVar contains an entry for this variant (Variation ID: 1455277).

Blueprint Genetics
Classification: Likely pathogenic for PNPLA6-related disorders. Last evaluated: 2021-05-30. Review status: criteria provided, single submitter. Criteria: ACMG Guidelines, 2015. Collection method: clinical testing. Allele origin: germline. Affected: yes. Observed: 1 variant allele.

Literature cited by the submitters: PubMed 24355708 (cited by Labcorp Genetics (formerly Invitae), Labcorp).

NM_001166114.2(PNPLA6):c.3361del (p.Leu1121fs)

Gene: PNPLA6 (patatin like domain 6, lysophospholipase; plus strand). Cytogenetic location: 19p13.2.
Variant type: Deletion.
Coding change: c.3361del on transcript NM_001166114.2 (MANE Select); coding-DNA position 3361, one base deleted (C; older notation c.3361delC).
Protein change: p.Leu1121fs; shifts the reading frame from leucine 1121.
Molecular consequence: frameshift variant.
Genome position (GRCh38, 1-based): chr19:7,557,248, C deleted; the last of 2 consecutive C bases (chr19:7,557,247-7,557,248); deleting either gives the same sequence. VCF-style (leftmost placement, unchanged base first): chr19-7557246-AC-A. GRCh37 (hg19) VCF-style: chr19-7622132-AC-A.
Other names: c.3391del, p.Leu1131fs (NM_001166111.2); c.3166del, p.Leu1056fs (NM_001166112.2); c.3247del, p.Leu1083fs (NM_001166113.1, NM_006702.5); c.3247del (NM_006702.4); short protein forms L1121fs, L1056fs, L1083fs, L1131fs.
Identifiers: ClinVar variation 1455277 (VCV001455277.8), dbSNP rs766796997, ClinGen allele CA9140436.